The following is an entry in ClinVar:

NM_138704.4(NSMCE3):c.845A>G (p.Tyr282Cys)

Genes: ENTREP2 (endosomal transmembrane epsin interactor 2; minus strand), NSMCE3 (NSE3 component of SMC5/6 complex; minus strand). Cytogenetic location: 15q13.1.
Variant type: single nucleotide variant.
Coding change: c.845A>G on transcript NM_138704.4 (MANE Select); coding-DNA position 845, A replaced by G.
Protein change: p.Tyr282Cys; replaces tyrosine 282 with cysteine.
Molecular consequence: missense variant. On other transcripts: intron variant (5).
Genome position (GRCh38, 1-based): chr15:29,268,861, T>C on the plus strand (A>G on the coding strand, the complement: NSMCE3 is on the minus strand). VCF-style: chr15-29268861-T-C. GRCh37 (hg19) VCF-style: chr15-29561065-T-C.
Other names: c.-12-16383A>G (NM_001387217.1, NM_001387215.1, NM_001387216.1); c.277-16383A>G (NM_001387214.1, NM_015307.2); short protein forms Y282C.
Identifiers: ClinVar variation 1998400 (VCV001998400.4), dbSNP rs767713375, ClinGen allele CA7446050.

ClinVar aggregate classification (germline): Uncertain significance (1 of 4 stars; one submission).

Allele frequency attached by ClinVar (database versions not stated): gnomAD exomes below 0.00001; ExAC 0.00001; gnomAD 0.00001; 1000 Genomes Project 30x 0.00016.
gnomAD v4.1: 2 of 1,614,178 alleles (0.00012%); highest among the groups gnomAD compares: African/African-American, 0.0013%; no homozygotes.

Submission:

Labcorp Genetics (formerly Invitae), Labcorp
Classification: Uncertain significance. Last evaluated: 2022-05-25. Review status: criteria provided, single submitter. Criteria: Invitae Variant Classification Sherloc (09022015). Collection method: clinical testing. Allele origin: germline.
Comment: In summary, the available evidence is currently insufficient to determine the role of this variant in disease. Therefore, it has been classified as a Variant of Uncertain Significance. Algorithms developed to predict the effect of missense changes on protein structure and function (SIFT, PolyPhen-2, Align-GVGD) all suggest that this variant is likely to be disruptive. This variant has not been reported in the literature in individuals affected with NSMCE3-related conditions. This variant is not present in population databases (gnomAD no frequency). This sequence change replaces tyrosine, which is neutral and polar, with cysteine, which is neutral and slightly polar, at codon 282 of the NSMCE3 protein (p.Tyr282Cys).